The following is an entry in ClinVar:

NM_002474.3(MYH11):c.4007C>T (p.Thr1336Met)

Genes: NDE1 (nudE neurodevelopment protein 1; plus strand), MYH11 (myosin heavy chain 11; minus strand). Cytogenetic location: 16p13.11.
Variant type: single nucleotide variant.
Coding change: c.4007C>T on transcript NM_002474.3 (MANE Select); coding-DNA position 4007, C replaced by T.
Protein change: p.Thr1336Met; replaces threonine 1336 with methionine.
Molecular consequence: missense variant. On other transcripts: 3 prime UTR variant (2).
Genome position (GRCh38, 1-based): chr16:15,724,756, G>A on the plus strand (C>T on the coding strand, the complement: MYH11 is on the minus strand). VCF-style: chr16-15724756-G-A. GRCh37 (hg19) VCF-style: chr16-15818613-G-A.
Other names: c.4028C>T, p.Thr1343Met (NM_001040113.2, NM_001040114.2); c.4007C>T, p.Thr1336Met (NM_022844.3); c.*505G>A (NM_001143979.2, NM_017668.3); short protein forms T1336M, T1343M.
Identifiers: ClinVar variation 519926 (VCV000519926.7), dbSNP rs771330136, ClinGen allele CA7921810.

ClinVar aggregate classification (germline): Uncertain significance. Review status: criteria provided, multiple submitters, no conflicts (2 of 4 stars). 2 submissions from 2 submitters: Uncertain significance (2). Last evaluated 2025-03-24.

Conditions:
Aortic aneurysm, familial thoracic 4 (AAT4). Also called: AORTIC ANEURYSM/AORTIC DISSECTION AND PATENT DUCTUS ARTERIOSUS. Identifiers: MedGen C1851504, MONDO:0007568, OMIM 132900.
Familial thoracic aortic aneurysm and aortic dissection (TAAD). Also called: Thoracic aortic aneurysms and dissections. Identifiers: Orphanet 91387, MedGen C4707243, MONDO:0019625.

Allele frequency attached by ClinVar (database versions not stated): gnomAD exomes 0.00001 and 0.00002; ExAC 0.00002.
gnomAD v4.1: 12 of 1,614,130 alleles (0.00074%); highest among the groups gnomAD compares: South Asian, 0.0077%; no homozygotes.

Submissions (2):

Labcorp Genetics (formerly Invitae), Labcorp
Classification: Uncertain significance for Aortic aneurysm, familial thoracic 4. Last evaluated: 2025-03-24. Review status: criteria provided, single submitter. Criteria: Invitae Variant Classification Sherloc (09022015). Collection method: clinical testing. Allele origin: germline.
Comment: This sequence change replaces threonine, which is neutral and polar, with methionine, which is neutral and non-polar, at codon 1343 of the MYH11 protein (p.Thr1343Met). This variant is present in population databases (rs771330136, gnomAD 0.01%). This variant has not been reported in the literature in individuals affected with MYH11-related conditions. ClinVar contains an entry for this variant (Variation ID: 519926). Invitae Evidence Modeling of protein sequence and biophysical properties (such as structural, functional, and spatial information, amino acid conservation, physicochemical variation, residue mobility, and thermodynamic stability) indicates that this missense variant is not expected to disrupt MYH11 protein function with a negative predictive value of 95%. In summary, the available evidence is currently insufficient to determine the role of this variant in disease. Therefore, it has been classified as a Variant of Uncertain Significance.

Ambry Genetics
Classification: Uncertain significance for Familial thoracic aortic aneurysm and aortic dissection. Last evaluated: 2017-12-29. Review status: criteria provided, single submitter. Criteria: Ambry Variant Classification Scheme 2023. Collection method: clinical testing. Allele origin: germline.
Comment: The p.T1336M variant (also known as c.4007C>T), located in coding exon 29 of the MYH11 gene, results from a C to T substitution at nucleotide position 4007. The threonine at codon 1336 is replaced by methionine, an amino acid with similar properties. This amino acid position is highly conserved in available vertebrate species. In addition, this alteration is predicted to be deleterious by in silico analysis. Since supporting evidence is limited at this time, the clinical significance of this variant remains unclear.